The following is an entry in ClinVar:

NM_002907.4(RECQL):c.1512_1513del (p.Glu505fs)

Gene: RECQL (RecQ like helicase; minus strand). Cytogenetic location: 12p12.1.
Variant type: Deletion.
Coding change: c.1512_1513del on transcript NM_002907.4 (MANE Select); coding-DNA positions 1512 to 1513, 2 bases deleted (GG; older notation c.1512_1513delGG).
Protein change: p.Glu505fs; shifts the reading frame from glutamic acid 505.
Molecular consequence: frameshift variant.
Genome position (GRCh38, 1-based): chr12:21,471,582-21,471,583, CC deleted on the plus strand (GG on the coding strand, the reverse complement: RECQL is on the minus strand). VCF-style (leftmost placement, unchanged base first): chr12-21471581-TCC-T. GRCh37 (hg19) VCF-style: chr12-21624515-TCC-T.
Other names: c.1512_1513del, p.Glu505fs (NM_032941.3); short protein forms E505fs.
Identifiers: ClinVar variation 1774225 (VCV001774225.3), dbSNP rs746486911, ClinGen allele CA6478728.

ClinVar aggregate classification (germline): Uncertain significance. Review status: criteria provided, multiple submitters, no conflicts (2 of 4 stars). 2 submissions from 2 submitters: Uncertain significance (2). Last evaluated 2025-09-13.

Allele frequency attached by ClinVar (database versions not stated): gnomAD exomes below 0.00001; ExAC 0.00001.

Submissions (2):

Labcorp Genetics (formerly Invitae), Labcorp
Classification: Uncertain significance. Last evaluated: 2025-09-13. Review status: criteria provided, single submitter. Criteria: Invitae Variant Classification Sherloc (09022015). Collection method: clinical testing. Allele origin: germline.
Comment: This sequence change creates a premature translational stop signal (p.Glu505Thrfs*3) in the RECQL gene. It is expected to result in an absent or disrupted protein product. However, the current clinical and genetic evidence is not sufficient to establish whether loss-of-function variants in RECQL cause disease. This variant is present in population databases (rs746486911, gnomAD 0.003%). This variant has not been reported in the literature in individuals affected with RECQL-related conditions. ClinVar contains an entry for this variant (Variation ID: 1774225). In summary, the available evidence is currently insufficient to determine the role of this variant in disease. Therefore, it has been classified as a Variant of Uncertain Significance.

Ambry Genetics
Classification: Uncertain significance. Last evaluated: 2022-07-19. Review status: criteria provided, single submitter. Criteria: Ambry Variant Classification Scheme 2023. Collection method: clinical testing. Allele origin: germline.
Comment: The c.1512_1513delGG variant, located in coding exon 12 of the RECQL gene, results from a deletion of two nucleotides at nucleotide positions 1512 to 1513, causing a translational frameshift with a predicted alternate stop codon (p.E505Tfs*3). This alteration is expected to result in loss of function by premature protein truncation or nonsense-mediated mRNA decay. The evidence for this gene-disease relationship is limited; therefore, the clinical significance of this alteration is unclear.